The following is an entry in ClinVar:

NM_021072.4(HCN1):c.286A>T (p.Arg96Trp)

Gene: HCN1 (hyperpolarization activated cyclic nucleotide gated potassium channel 1; minus strand). Cytogenetic location: 5p12.
Variant type: single nucleotide variant.
Coding change: c.286A>T on transcript NM_021072.4 (MANE Select); coding-DNA position 286, A replaced by T.
Protein change: p.Arg96Trp; replaces arginine 96 with tryptophan.
Molecular consequence: missense variant.
Genome position (GRCh38, 1-based): chr5:45,695,808, T>A on the plus strand (A>T on the coding strand, the complement: HCN1 is on the minus strand). VCF-style: chr5-45695808-T-A. GRCh37 (hg19) VCF-style: chr5-45695910-T-A.
Other names: short protein forms R96W.
Identifiers: ClinVar variation 3690707 (VCV003690707.2).

ClinVar aggregate classification (germline): Uncertain significance (1 of 4 stars; one submission).

Conditions:
Early-infantile DEE. Also called: Ohtahara syndrome; Early infantile epileptic encephalopathy with suppression bursts; Early infantile epileptic encephalopathy. Identifiers: Orphanet 1934, MedGen C0393706, MONDO:0800491.

gnomAD v4.1: 3 of 1,610,098 alleles (0.00019%); highest among the groups gnomAD compares: Non-Finnish European, 0.00025%; no homozygotes.

Submission:

Labcorp Genetics (formerly Invitae), Labcorp
Classification: Uncertain significance for Early-infantile DEE. Last evaluated: 2024-12-28. Review status: criteria provided, single submitter. Criteria: Invitae Variant Classification Sherloc (09022015). Collection method: clinical testing. Allele origin: germline.
Comment: This sequence change replaces arginine, which is basic and polar, with tryptophan, which is neutral and slightly polar, at codon 96 of the HCN1 protein (p.Arg96Trp). This variant is not present in population databases (gnomAD no frequency). This variant has not been reported in the literature in individuals affected with HCN1-related conditions. Invitae Evidence Modeling of protein sequence and biophysical properties (such as structural, functional, and spatial information, amino acid conservation, physicochemical variation, residue mobility, and thermodynamic stability) has been performed for this missense variant. However, the output from this modeling did not meet the statistical confidence thresholds required to predict the impact of this variant on HCN1 protein function. In summary, the available evidence is currently insufficient to determine the role of this variant in disease. Therefore, it has been classified as a Variant of Uncertain Significance.